The following is an entry in ClinVar:

ClinVar aggregate classification (germline): Pathogenic. Review status: reviewed by expert panel (3 of 4 stars). 4 submissions from 4 submitters: Pathogenic (1). 3 of the submissions do not count toward it. Last evaluated 2023-12-29.

Conditions:
Marfan syndrome (MFS). Also called: Marfan syndrome type 1; Marfan syndrome, classic; Marfan's syndrome; FBN1-Related Marfan Syndrome; MARFAN SYNDROME, TYPE I. Identifiers: Orphanet 284963, Orphanet 558, MedGen C0024796, MONDO:0007947, OMIM 154700.

Submissions (4):

ClinGen FBN1 Variant Curation Expert Panel, ClinGen
Classification: Pathogenic for Marfan syndrome. Last evaluated: 2023-12-29. Review status: reviewed by expert panel. Criteria: Assertion Criteria VCEP FBN1 Version 1. Collection method: curation. Allele origin: germline. Inheritance: Autosomal dominant inheritance.
Comment: The NM_00138 c.2287T>G is a missense variant in FBN1 predicted to cause a substitution of a cysteine by glycine at amino acid 763 (p.Cys763Gly). This variant was found in two probands with a clinical diagnosis of Marfan syndrome (internal data, PP4, PS4_Supporting). In one of these probands the variant was found de novo with assumed paternity and maternity (PM6). This variant has been reported 3 times in ClinVar, once as pathogenic, once as likely pathogenic and once as uncertain significance (Variation ID: 549070). To our knowledge, this variant has not previously been reported in individuals affected with Marfan syndrome in the literature. This variant is not present in gnomAD (PM2_sup; version 2.1.1). This variant affects a cysteine residue in a calcium binding EGF domain. Cysteine residues are believed to be involved in the formation of disulfide bridges which are essential for the protein structure (PM1_strong). Computational prediction tools and conservation analysis suggest that this variant may impact the protein (REVEL: 0.98) (PP3). The constraint z-score for missense variants affecting FBN1 is 5.06 (PP2). In summary, this variant meets criteria to be classified as pathogenic for Marfan syndrome based on the ACMG/AMP criteria applied, as specified by the ClinGen FBN1 VCEP: PM1_Strong, PM6, PS4_Supporting, PM2_Sup, PP2, PP3, PP4.

Center for Genomics, Ann and Robert H. Lurie Children's Hospital of Chicago
Classification: Pathogenic for Marfan syndrome. Last evaluated: 2022-11-02. Review status: criteria provided, single submitter. Criteria: ACMG Guidelines, 2015. Collection method: clinical testing. Allele origin: maternal. Observed: 2 variant alleles. Not counted in ClinVar's aggregate classification.
Comment: This variant has been reported in the literature in 1 individual with a clinical suspicion or diagnosis of Marfan syndrome (Stengl 2020 PMID: 33059708), and as de novo in 1 individual with bilateral ectopia lentis and aortic dilatation at an external institution (personal communication). This variant is not present in large control databases but is present in ClinVar (Variation ID: 549070). Of note, this variant is located in a cbEGF-like domain, in which cysteine residues have been shown to be critical to protein structure and stability; missense variants at cysteine residues within cbEGF-like domains are enriched in patients with Marfan syndrome (Robinson 2006 PMID: 16571647; Faivre 2007 PMID: 17701892; Dietz 2017 PMID: 20301510). Additionally, the FBN1 gene has a gnomAD missense constraint z-score of 5.06, suggesting that benign missense variation in FBN1 is uncommon (Lek 2016 PMID:27535533). Evolutionary conservation and computational predictive tools support that this variant impacts the protein. In summary, this variant is classified as pathogenic.

Centre of Medical Genetics, University of Antwerp
Classification: Pathogenic for Marfan syndrome. Last evaluated: 2021-03-01. Review status: criteria provided, single submitter. Criteria: Submitter's publication. Collection method: research. Allele origin: unknown. Affected: yes. Not counted in ClinVar's aggregate classification.
Comment: PM2, PVS2, PP4

Center for Medical Genetics Ghent, University of Ghent
Classification: Likely pathogenic for Marfan syndrome. Last evaluated: 2017-11-07. Review status: no assertion criteria provided. Collection method: clinical testing. Allele origin: germline. Affected: yes. Not counted in ClinVar's aggregate classification.

NM_000138.5(FBN1):c.2287T>G (p.Cys763Gly)

Gene: FBN1 (fibrillin 1; minus strand). Cytogenetic location: 15q21.1.
Variant type: single nucleotide variant.
Coding change: c.2287T>G on transcript NM_000138.5 (MANE Select); coding-DNA position 2287, T replaced by G.
Protein change: p.Cys763Gly; replaces cysteine 763 with glycine.
Molecular consequence: missense variant.
Genome position (GRCh38, 1-based): chr15:48,497,272, A>C on the plus strand (T>G on the coding strand, the complement: FBN1 is on the minus strand). VCF-style: chr15-48497272-A-C. GRCh37 (hg19) VCF-style: chr15-48789469-A-C.
Other names: NM_000138.5(FBN1):c.2287T>G; p.Cys763Gly; short protein forms C763G.
Identifiers: ClinVar variation 549070 (VCV000549070.22), dbSNP rs1555399361, ClinGen allele CA392335588.